The following is an entry in ClinVar:

NM_001364171.2(ODAD1):c.572T>C (p.Leu191Pro)

Gene: ODAD1 (outer dynein arm docking complex subunit 1; minus strand). Cytogenetic location: 19q13.33.
Variant type: single nucleotide variant.
Coding change: c.572T>C on transcript NM_001364171.2 (MANE Select); coding-DNA position 572, T replaced by C.
Protein change: p.Leu191Pro; replaces leucine 191 with proline.
Molecular consequence: missense variant.
Genome position (GRCh38, 1-based): chr19:48,311,578, A>G on the plus strand (T>C on the coding strand, the complement: ODAD1 is on the minus strand). VCF-style: chr19-48311578-A-G. GRCh37 (hg19) VCF-style: chr19-48814835-A-G.
Other names: c.461T>C, p.Leu154Pro (NM_144577.4); c.461T>C (NM_144577.3); short protein forms L154P, L191P.
Identifiers: ClinVar variation 2417575 (VCV002417575.14), dbSNP rs1968764329, ClinGen allele CA406663562.

ClinVar aggregate classification (germline): Uncertain significance. Review status: criteria provided, multiple submitters, no conflicts (2 of 4 stars). 2 submissions from 2 submitters: Uncertain significance (2). Last evaluated 2025-05-15.

Conditions:
Primary ciliary dyskinesia. Also called: Ciliary dyskinesia. Identifiers: Orphanet 244, MedGen C0008780, MONDO:0016575, HP:0012265.

Allele frequency attached by ClinVar (database versions not stated): TOPMed below 0.00001; gnomAD exomes 0.00001.
gnomAD v4.1: 12 of 1,550,448 alleles (0.00077%); highest among the groups gnomAD compares: Non-Finnish European, 0.001%; no homozygotes.

Submissions (2):

Ambry Genetics
Classification: Uncertain significance for Primary ciliary dyskinesia. Last evaluated: 2025-05-15. Review status: criteria provided, single submitter. Criteria: Ambry Variant Classification Scheme 2023. Collection method: clinical testing. Allele origin: germline.

Labcorp Genetics (formerly Invitae), Labcorp
Classification: Uncertain significance for Primary ciliary dyskinesia. Last evaluated: 2022-06-13. Review status: criteria provided, single submitter. Criteria: Invitae Variant Classification Sherloc (09022015). Collection method: clinical testing. Allele origin: germline.
Comment: In summary, the available evidence is currently insufficient to determine the role of this variant in disease. Therefore, it has been classified as a Variant of Uncertain Significance. Algorithms developed to predict the effect of missense changes on protein structure and function are either unavailable or do not agree on the potential impact of this missense change (SIFT: "Tolerated"; PolyPhen-2: "Probably Damaging"; Align-GVGD: "Class C0"). This variant has not been reported in the literature in individuals affected with CCDC114-related conditions. This variant is not present in population databases (gnomAD no frequency). This sequence change replaces leucine, which is neutral and non-polar, with proline, which is neutral and non-polar, at codon 154 of the CCDC114 protein (p.Leu154Pro).